The following is an entry in ClinVar:

NM_000135.4(FANCA):c.4241G>A (p.Ser1414Asn)

Genes: FANCA (FA complementation group A; minus strand), ZNF276 (zinc finger protein 276; plus strand). Cytogenetic location: 16q24.3.
Variant type: single nucleotide variant.
Coding change: c.4241G>A on transcript NM_000135.4 (MANE Select); coding-DNA position 4241, G replaced by A.
Protein change: p.Ser1414Asn; replaces serine 1414 with asparagine.
Molecular consequence: missense variant. On other transcripts: synonymous variant (1), 3 prime UTR variant (2), non-coding transcript variant (4).
Genome position (GRCh38, 1-based): chr16:89,738,901, C>T on the plus strand (G>A on the coding strand, the complement: FANCA is on the minus strand). VCF-style: chr16-89738901-C-T. GRCh37 (hg19) VCF-style: chr16-89805309-C-T.
Other names: c.4245G>A, p.Glu1415= (NM_001286167.3); c.*655C>T (NM_001113525.2, NM_152287.4); short protein forms S1414N.
Identifiers: ClinVar variation 1337013 (VCV001337013.9), dbSNP rs772122405, ClinGen allele CA8250676.

ClinVar aggregate classification (germline): Uncertain significance. Review status: criteria provided, multiple submitters, no conflicts (2 of 4 stars). 3 submissions from 3 submitters: Uncertain significance (2). 1 of the submissions does not count toward it. Last evaluated 2025-06-10.

Conditions:
FANCA-related disorder. Also called: FANCA-related condition.
Fanconi anemia (FA). Also called: Fanconi's anemia. Identifiers: Orphanet 84, MedGen C0015625, MeSH D005199, MONDO:0019391.

Allele frequency attached by ClinVar (database versions not stated): gnomAD exomes 0.00001; TOPMed 0.00001; ExAC 0.00002; gnomAD 0.00002.
gnomAD v4.1: 20 of 1,614,154 alleles (0.0012%); highest among the groups gnomAD compares: Non-Finnish European, 0.0014%; no homozygotes.

Submissions (3):

Labcorp Genetics (formerly Invitae), Labcorp
Classification: Uncertain significance for Fanconi anemia. Last evaluated: 2025-06-10. Review status: criteria provided, single submitter. Criteria: Invitae Variant Classification Sherloc (09022015). Collection method: clinical testing. Allele origin: germline.
Comment: This sequence change replaces serine, which is neutral and polar, with asparagine, which is neutral and polar, at codon 1414 of the FANCA protein (p.Ser1414Asn). This variant is present in population databases (rs772122405, gnomAD 0.02%). This variant has not been reported in the literature in individuals affected with FANCA-related conditions. ClinVar contains an entry for this variant (Variation ID: 1337013). Invitae Evidence Modeling of protein sequence and biophysical properties (such as structural, functional, and spatial information, amino acid conservation, physicochemical variation, residue mobility, and thermodynamic stability) indicates that this missense variant is not expected to disrupt FANCA protein function with a negative predictive value of 95%. In summary, the available evidence is currently insufficient to determine the role of this variant in disease. Therefore, it has been classified as a Variant of Uncertain Significance.

Genetic Services Laboratory, University of Chicago
Classification: Uncertain significance. Last evaluated: 2019-01-30. Review status: criteria provided, single submitter. Criteria: ACMG Guidelines, 2015. Collection method: clinical testing. Allele origin: germline. Affected: no.

PreventionGenetics, part of Exact Sciences
Classification: Uncertain significance for FANCA-related condition. Last evaluated: 2024-02-22. Review status: no assertion criteria provided. Collection method: clinical testing. Allele origin: germline. Not counted in ClinVar's aggregate classification.
Comment: The FANCA c.4241G>A variant is predicted to result in the amino acid substitution p.Ser1414Asn. To our knowledge, this variant has not been reported in the literature. This variant is reported in 0.016% of alleles in individuals of European (Finnish) descent in gnomAD and has been interpreted as uncertain in ClinVar. At this time, the clinical significance of this variant is uncertain due to the absence of conclusive functional and genetic evidence.